The following is an entry in ClinVar:

NM_003836.7(DLK1):c.874C>T (p.Leu292Phe)

Gene: DLK1 (delta like non-canonical Notch ligand 1; plus strand). Cytogenetic location: 14q32.2.
Variant type: single nucleotide variant.
Coding change: c.874C>T on transcript NM_003836.7 (MANE Select); coding-DNA position 874, C replaced by T.
Protein change: p.Leu292Phe; replaces leucine 292 with phenylalanine.
Molecular consequence: missense variant. On other transcripts: intron variant (1).
Genome position (GRCh38, 1-based): chr14:100,734,618, C>T. VCF-style: chr14-100734618-C-T. GRCh37 (hg19) VCF-style: chr14-101200955-C-T.
Other names: c.685-30C>T (NM_001317172.2); short protein forms L292F.
Identifiers: ClinVar variation 2672570 (VCV002672570.23), dbSNP rs141718023, ClinGen allele CA7346736.

ClinVar aggregate classification (germline): Likely benign (1 of 4 stars; one submission).

Allele frequency attached by ClinVar (database versions not stated): ESP Exome Variant Server 0.00015; ExAC 0.00026; TOPMed 0.00031; gnomAD 0.00036; gnomAD exomes 0.00053.
gnomAD v4.1: 817 of 1,613,890 alleles (0.051%); highest among the groups gnomAD compares: Non-Finnish European, 0.062%; 2 homozygotes.

Submission:

CeGaT Center for Human Genetics Tuebingen
Classification: Likely benign. Last evaluated: 2023-11-01. Review status: criteria provided, single submitter. Criteria: CeGaT Center For Human Genetics Tuebingen Variant Classification Criteria Version 2. Collection method: clinical testing. Allele origin: germline. Affected: yes. Observed: 1 variant allele.
Comment: DLK1: BP4